The following is an entry in ClinVar:

ClinVar aggregate classification (germline): Uncertain significance (1 of 4 stars; one submission).

Conditions:
Hereditary cancer-predisposing syndrome. Also called: Tumor predisposition; Hereditary Cancer Syndrome; Hereditary neoplastic syndrome; Neoplastic Syndromes, Hereditary. Identifiers: Orphanet 140162, MedGen C0027672, MeSH D009386, MONDO:0015356.

Submission:

Ambry Genetics
Classification: Uncertain significance for Hereditary cancer-predisposing syndrome. Last evaluated: 2026-08-28. Review status: criteria provided, single submitter. Criteria: Ambry Variant Classification Scheme 2023. Collection method: clinical testing. Allele origin: germline.
Comment: The p.F516L variant (also known as c.1546T>C), located in coding exon 11 of the PTCH1 gene, results from a T to C substitution at nucleotide position 1546. The phenylalanine at codon 516 is replaced by leucine, an amino acid with highly similar properties. This amino acid position is conserved. In addition, this alteration is predicted to be deleterious by in silico analysis. Based on the available evidence, the clinical significance of this variant remains unclear.

NM_000264.5(PTCH1):c.1546T>C (p.Phe516Leu)

Gene: PTCH1 (patched 1; minus strand). Cytogenetic location: 9q22.32.
Variant type: single nucleotide variant.
Coding change: c.1546T>C on transcript NM_000264.5 (MANE Select); coding-DNA position 1546, T replaced by C.
Protein change: p.Phe516Leu; replaces phenylalanine 516 with leucine.
Molecular consequence: missense variant. On other transcripts: non-coding transcript variant (1).
Genome position (GRCh38, 1-based): chr9:95,476,815, A>G on the plus strand (T>C on the coding strand, the complement: PTCH1 is on the minus strand). VCF-style: chr9-95476815-A-G. GRCh37 (hg19) VCF-style: chr9-98239097-A-G.
Other names: c.1348T>C, p.Phe450Leu (NM_001083602.3); c.1543T>C, p.Phe515Leu (NM_001083603.3); c.1093T>C, p.Phe365Leu (NM_001083604.3, NM_001083605.3, NM_001083606.3 and 1 more transcripts); c.1390T>C, p.Phe464Leu (NM_001354918.2); short protein forms F365L, F464L, F450L, F515L, F516L.
Identifiers: ClinVar variation 3427318 (VCV003427318.2).